The following is an entry in ClinVar:

NM_001308210.2(TSHZ1):c.2418C>T (p.Ser806=)

Gene: TSHZ1 (teashirt zinc finger homeobox 1; plus strand). Cytogenetic location: 18q22.3.
Variant type: single nucleotide variant.
Coding change: c.2418C>T on transcript NM_001308210.2 (MANE Select); coding-DNA position 2418, C replaced by T.
Protein change: p.Ser806=; no amino-acid change (serine 806 retained).
Molecular consequence: synonymous variant.
Genome position (GRCh38, 1-based): chr18:75,287,825, C>T. VCF-style: chr18-75287825-C-T. GRCh37 (hg19) VCF-style: chr18-72999780-C-T.
Other names: c.2283C>T, p.Ser761= (NM_005786.6).
Identifiers: ClinVar variation 3041911 (VCV003041911.3), dbSNP rs150411092, ClinGen allele CA9002286.
Genomic context (GRCh38, chr18:75,287,825, plus strand): 5'-GTACCCCGCCACCCCTGTGAAGCAGGCCGATGCCATCGACCGCTACTATTATGAAAACAG[C>T]GACCAGCCCATTGACTTAACCAAGTCCAAGAACAAGCCGCTGGTGTCCAGCGTGGCTGAT-3'
Protein context (NP_001295139.1, residues 796-816): DAIDRYYYEN[Ser806=]DQPIDLTKSK

ClinVar aggregate classification (germline): Likely benign. Review status: criteria provided, single submitter (1 of 4 stars). 2 submissions from 2 submitters: Likely benign (1). 1 of the submissions does not count toward it. Last evaluated 2024-11-13.

Conditions:
TSHZ1-related disorder. Also called: TSHZ1-related condition.

Allele frequency attached by ClinVar (database versions not stated): TOPMed 0.00025 and 0.00026; gnomAD 0.00029 and 0.00037; ESP Exome Variant Server 0.00031; 1000 Genomes Project 0.00040; 1000 Genomes Project 30x 0.00047; gnomAD exomes 0.00061 and 0.00071; ExAC 0.00070.
gnomAD v4.1: 1,081 of 1,614,078 alleles (0.067%); highest among the groups gnomAD compares: South Asian, 0.32%; 2 homozygotes.

Submissions (2):

Blueprint Genetics
Classification: Likely benign. Last evaluated: 2024-11-13. Review status: criteria provided, single submitter. Criteria: ACMG Guidelines, 2015. Collection method: clinical testing. Allele origin: germline.

PreventionGenetics, part of Exact Sciences
Classification: Likely benign for TSHZ1-related condition. Last evaluated: 2024-03-12. Review status: no assertion criteria provided. Collection method: clinical testing. Allele origin: germline. Not counted in ClinVar's aggregate classification.
Comment: This variant is classified as likely benign based on ACMG/AMP sequence variant interpretation guidelines (Richards et al. 2015 PMID: 25741868, with internal and published modifications).